The following is an entry in ClinVar:

NM_001142800.2(EYS):c.5104T>C (p.Leu1702=)

Gene: EYS (EGF-like photoreceptor maintenance factor; minus strand). Cytogenetic location: 6q12.
Variant type: single nucleotide variant.
Coding change: c.5104T>C on transcript NM_001142800.2 (MANE Select); coding-DNA position 5104, T replaced by C.
Protein change: p.Leu1702=; no amino-acid change (leucine 1702 retained).
Molecular consequence: synonymous variant.
Genome position (GRCh38, 1-based): chr6:64,590,763, A>G on the plus strand (T>C on the coding strand, the complement: EYS is on the minus strand). VCF-style: chr6-64590763-A-G. GRCh37 (hg19) VCF-style: chr6-65300656-A-G.
Other names: c.5104T>C, p.Leu1702= (NM_001292009.2); c.5104T>C (NM_001142800.1).
Identifiers: ClinVar variation 992126 (VCV000992126.12), dbSNP rs564151798, ClinGen allele CA140340908.

ClinVar aggregate classification (germline): Likely benign. Review status: criteria provided, single submitter (1 of 4 stars). 3 submissions from 3 submitters: Likely benign (1). 2 of the submissions do not count toward it. Last evaluated 2024-12-09.

Conditions:
EYS-related disorder. Also called: EYS-related condition.
Autosomal recessive retinitis pigmentosa. Identifiers: MedGen C0339526.

Allele frequency attached by ClinVar (database versions not stated): gnomAD exomes 0.00001 and 0.00002; gnomAD 0.00012 and 0.00013; TOPMed 0.00013; 1000 Genomes Project 0.00020; 1000 Genomes Project 30x 0.00031.
gnomAD v4.1: 30 of 1,550,890 alleles (0.0019%); highest among the groups gnomAD compares: African/African-American, 0.03%; no homozygotes.

Submissions (3):

Labcorp Genetics (formerly Invitae), Labcorp
Classification: Likely benign. Last evaluated: 2024-12-09. Review status: criteria provided, single submitter. Criteria: Invitae Variant Classification Sherloc (09022015). Collection method: clinical testing. Allele origin: germline.

Natera, Inc.
Classification: Uncertain significance for Autosomal recessive retinitis pigmentosa. Last evaluated: 2020-08-11. Review status: no assertion criteria provided. Collection method: clinical testing. Allele origin: germline. Not counted in ClinVar's aggregate classification.

PreventionGenetics, part of Exact Sciences
Classification: Likely benign for EYS-related condition. Last evaluated: 2020-06-12. Review status: no assertion criteria provided. Collection method: clinical testing. Allele origin: germline. Not counted in ClinVar's aggregate classification.
Comment: This variant is classified as likely benign based on ACMG/AMP sequence variant interpretation guidelines (Richards et al. 2015 PMID: 25741868, with internal and published modifications).